The following is an entry in ClinVar:

NM_021076.4(NEFH):c.2983G>A (p.Glu995Lys)

Gene: NEFH (neurofilament heavy chain; plus strand). Cytogenetic location: 22q12.2.
Variant type: single nucleotide variant.
Coding change: c.2983G>A on transcript NM_021076.4 (MANE Select); coding-DNA position 2983, G replaced by A.
Protein change: p.Glu995Lys; replaces glutamic acid 995 with lysine.
Molecular consequence: missense variant.
Genome position (GRCh38, 1-based): chr22:29,490,623, G>A. VCF-style: chr22-29490623-G-A. GRCh37 (hg19) VCF-style: chr22-29886612-G-A.
Other names: short protein forms E995K.
Identifiers: ClinVar variation 1391331 (VCV001391331.6), dbSNP rs2146402000, ClinGen allele CA411139482.
Genomic context (GRCh38, chr22:29,490,623, plus strand): 5'-GCCAAGGAAGATGACAAGACCCTCTCAAAAGAGCCTAGCAAGCCTAAGGCAGAAAAGGCT[G>A]AAAAATCCTCCAGCACAGACCAAAAAGACAGCAAGCCTCCAGAGAAGGCCACAGAAGACA-3'
Protein context (NP_066554.2, residues 985-1005): EPSKPKAEKA[Glu995Lys]KSSSTDQKDS

ClinVar aggregate classification (germline): Uncertain significance (1 of 4 stars; one submission).

Submission:

Labcorp Genetics (formerly Invitae), Labcorp
Classification: Uncertain significance. Last evaluated: 2021-12-24. Review status: criteria provided, single submitter. Criteria: Invitae Variant Classification Sherloc (09022015). Collection method: clinical testing. Allele origin: germline.
Comment: This sequence change replaces glutamic acid, which is acidic and polar, with lysine, which is basic and polar, at codon 995 of the NEFH protein (p.Glu995Lys). This variant is not present in population databases (gnomAD no frequency). In summary, the available evidence is currently insufficient to determine the role of this variant in disease. Therefore, it has been classified as a Variant of Uncertain Significance. Advanced modeling of protein sequence and biophysical properties (such as structural, functional, and spatial information, amino acid conservation, physicochemical variation, residue mobility, and thermodynamic stability) performed at Invitae indicates that this missense variant is not expected to disrupt NEFH protein function. This variant has not been reported in the literature in individuals affected with NEFH-related conditions.